The following is an entry in ClinVar:

ClinVar aggregate classification (germline): Uncertain significance (1 of 4 stars; one submission).

Allele frequency attached by ClinVar (database versions not stated): TOPMed below 0.00001; gnomAD exomes 0.00001.
gnomAD v4.1: 4 of 1,614,174 alleles (0.00025%); highest among the groups gnomAD compares: Admixed American, 0.0067%; no homozygotes.

Submission:

Labcorp Genetics (formerly Invitae), Labcorp
Classification: Uncertain significance. Last evaluated: 2022-07-04. Review status: criteria provided, single submitter. Criteria: Invitae Variant Classification Sherloc (09022015). Collection method: clinical testing. Allele origin: germline.
Comment: In summary, the available evidence is currently insufficient to determine the role of this variant in disease. Therefore, it has been classified as a Variant of Uncertain Significance. Algorithms developed to predict the effect of missense changes on protein structure and function output the following: SIFT: "Tolerated"; PolyPhen-2: "Benign"; Align-GVGD: "Class C0". The phenylalanine amino acid residue is found in multiple mammalian species, which suggests that this missense change does not adversely affect protein function. This variant has not been reported in the literature in individuals affected with EIF2AK1-related conditions. This variant is present in population databases (no rsID available, gnomAD 0.003%). This sequence change replaces leucine, which is neutral and non-polar, with phenylalanine, which is neutral and non-polar, at codon 345 of the EIF2AK1 protein (p.Leu345Phe).

NM_014413.4(EIF2AK1):c.1033C>T (p.Leu345Phe)

Gene: EIF2AK1 (eukaryotic translation initiation factor 2 alpha kinase 1; minus strand). Cytogenetic location: 7p22.1.
Variant type: single nucleotide variant.
Coding change: c.1033C>T on transcript NM_014413.4 (MANE Select); coding-DNA position 1033, C replaced by T.
Protein change: p.Leu345Phe; replaces leucine 345 with phenylalanine.
Molecular consequence: missense variant.
Genome position (GRCh38, 1-based): chr7:6,040,978, G>A on the plus strand (C>T on the coding strand, the complement: EIF2AK1 is on the minus strand). VCF-style: chr7-6040978-G-A. GRCh37 (hg19) VCF-style: chr7-6080609-G-A.
Other names: c.1030C>T, p.Leu344Phe (NM_001134335.2); short protein forms L344F, L345F.
Identifiers: ClinVar variation 2163991 (VCV002163991.4), dbSNP rs973646266, ClinGen allele CA153251681.
Genomic context (GRCh38, chr7:6,040,978, plus strand): 5'-TTTCTTCGGAAGATTCTTCGGTGGATGTGAAACTCTCCTCTAGGTGGGAATTACGCCTGA[G>A]TGGCAGCTGCTGTTCCACAATTGAACTGGCAGACAAACCAGCCAAGCCATTTTCCTGGAG-3'
Protein context (NP_055228.2, residues 335-355): ASSIVEQQLP[Leu345Phe]RRNSHLEESF